The following is an entry in ClinVar:

NM_004612.4(TGFBR1):c.1253G>C (p.Gly418Ala)

Gene: TGFBR1 (transforming growth factor beta receptor 1; plus strand). Cytogenetic location: 9q22.33.
Variant type: single nucleotide variant.
Coding change: c.1253G>C on transcript NM_004612.4 (MANE Select); coding-DNA position 1253, G replaced by C.
Protein change: p.Gly418Ala; replaces glycine 418 with alanine.
Molecular consequence: missense variant. On other transcripts: non-coding transcript variant (1).
Genome position (GRCh38, 1-based): chr9:99,146,607, G>C. VCF-style: chr9-99146607-G-C. GRCh37 (hg19) VCF-style: chr9-101908889-G-C.
Other names: c.1022G>C, p.Gly341Ala (NM_001130916.3, NM_001407435.1); c.1265G>C, p.Gly422Ala (NM_001306210.2); c.1097G>C, p.Gly366Ala (NM_001407416.1); c.1085G>C, p.Gly362Ala (NM_001407417.1); c.1058G>C, p.Gly353Ala (NM_001407418.1, NM_001407419.1, NM_001407420.1 and 1 more transcripts); c.1046G>C, p.Gly349Ala (NM_001407423.1, NM_001407424.1, NM_001407425.1 and 8 more transcripts); c.1007G>C, p.Gly336Ala (NM_001407436.1); c.545G>C, p.Gly182Ala (NM_001407437.1); and 1 more; short protein forms G182A, G259A, G336A, G341A, G349A, G353A, G362A, G366A.
Identifiers: ClinVar variation 3071547 (VCV003071547.1), dbSNP rs2490251781, ClinGen allele CA374233197.

ClinVar aggregate classification (germline): Uncertain significance (1 of 4 stars; one submission).

Conditions:
Loeys-Dietz syndrome (LDS). Identifiers: Orphanet 60030, MedGen C2697932, MONDO:0018954.

Submission:

All of Us Research Program, National Institutes of Health
Classification: Uncertain significance for Loeys-Dietz syndrome. Last evaluated: 2023-06-08. Review status: criteria provided, single submitter. Criteria: ACMG Guidelines, 2015. Collection method: clinical testing. Allele origin: germline. Inheritance: Autosomal dominant inheritance. Observed: 1 variant allele, 1 heterozygote.
Comment: This missense variant replaces glycine with alanine at codon 418 of the TGFBR1 protein. Computational prediction suggests that this variant may have deleterious impact on protein structure and function (internally defined REVEL score threshold >= 0.7, PMID: 27666373). To our knowledge, functional studies have not been reported for this variant. This variant has not been reported in individuals affected with TGFBR1-related disorders in the literature. This variant has not been identified in the general population by the Genome Aggregation Database (gnomAD). The available evidence is insufficient to determine the role of this variant in disease conclusively. Therefore, this variant is classified as a Variant of Uncertain Significance.

This study involves interpretation of variants in research participants for the purpose of population health screening. Participant phenotype was not available at the time of variant classification. Additional details can be found in publication PMID: 35346344, PMCID: PMC8962531